The following is an entry in ClinVar:

NM_000019.4(ACAT1):c.229del (p.Glu77fs)

Gene: ACAT1 (acetyl-CoA acetyltransferase 1; plus strand). Cytogenetic location: 11q22.3.
Variant type: Deletion.
Coding change: c.229del on transcript NM_000019.4 (MANE Select); coding-DNA position 229, one base deleted (G; older notation c.229delG).
Protein change: p.Glu77fs; shifts the reading frame from glutamic acid 77.
Molecular consequence: frameshift variant.
Genome position (GRCh38, 1-based): chr11:108,133,928, G deleted. VCF-style (leftmost placement, unchanged base first): chr11-108133927-TG-T. GRCh37 (hg19) VCF-style: chr11-108004654-TG-T.
Other names: short protein forms E77fs.
Identifiers: ClinVar variation 942141 (VCV000942141.11), dbSNP rs2077411287, ClinGen allele CA1139662211.

ClinVar aggregate classification (germline): Pathogenic/Likely pathogenic. Review status: criteria provided, multiple submitters, no conflicts (2 of 4 stars). 3 submissions from 3 submitters: Pathogenic (2); Likely pathogenic (1). Last evaluated 2025-11-04.

Conditions:
Deficiency of acetyl-CoA acetyltransferase. Also called: 3-KETOTHIOLASE DEFICIENCY; 3-OXOTHIOLASE DEFICIENCY; MITOCHONDRIAL ACETOACETYL-CoA THIOLASE DEFICIENCY; Beta-ketothiolase deficiency. Identifiers: Orphanet 134, MedGen C1536500, MONDO:0008760, OMIM 203750. Disease mechanism: loss of function.

Submissions (3):

Myriad Genetics, Inc.
Classification: Pathogenic for Deficiency of acetyl-CoA acetyltransferase. Last evaluated: 2025-11-04. Review status: criteria provided, single submitter. Criteria: Myriad Autosomal Dominant, Autosomal Recessive and X-Linked Classification Criteria (2023). Collection method: clinical testing. Allele origin: unknown.
Comment: NM_000019.3(ACAT1):c.229delG(E77Kfs*10) is expected to be pathogenic in the context of beta-ketothiolase deficiency. This variant is predicted to lead to an abnormal or absent protein product due to the creation of a premature termination codon in ACAT1, a gene where loss-of-function variants are known to be pathogenic. Please note: this variant was assessed in the context of healthy population screening.

Natera, Inc.
Classification: Likely pathogenic for Alpha-methylacetoacetic aciduria. Last evaluated: 2024-07-23. Review status: criteria provided, single submitter. Criteria: Natera Variant Classification Schema (03/2026). Collection method: clinical testing. Allele origin: germline.
Comment: The c.229del variant in ACAT1 is a frameshift variant predicted to shift the reading frame beginning at codon 77 and leads to a stop codon 10 codons downstream. This variant is expected to result in nonsense mediated decay, truncation, or a dysfunctional protein product. This variant is rare in the general population with a frequency below the threshold expected for the associated phenotype(s). Given the available evidence, this variant is classified as Likely Pathogenic.

Labcorp Genetics (formerly Invitae), Labcorp
Classification: Pathogenic for Deficiency of acetyl-CoA acetyltransferase. Last evaluated: 2020-01-23. Review status: criteria provided, single submitter. Criteria: Invitae Variant Classification Sherloc (09022015). Collection method: clinical testing. Allele origin: germline.
Comment: For these reasons, this variant has been classified as Pathogenic. Loss-of-function variants in ACAT1 are known to be pathogenic (PMID: 7749408). This variant has been observed in an individual affected with beta-ketothiolase deficiency (PMID: 30835345). This variant is not present in population databases (ExAC no frequency). This sequence change creates a premature translational stop signal (p.Glu77Lysfs*10) in the ACAT1 gene. It is expected to result in an absent or disrupted protein product.

Literature cited by the submitters: PubMed 7749408 (cited by Labcorp Genetics (formerly Invitae), Labcorp); PubMed 30835345 (cited by Labcorp Genetics (formerly Invitae), Labcorp).